The following is an entry in ClinVar:

NM_004656.4(BAP1):c.1528C>T (p.Pro510Ser)

Gene: BAP1 (BRCA1 associated deubiquitinase 1; minus strand). Cytogenetic location: 3p21.1.
Variant type: single nucleotide variant.
Coding change: c.1528C>T on transcript NM_004656.4 (MANE Select); coding-DNA position 1528, C replaced by T.
Protein change: p.Pro510Ser; replaces proline 510 with serine.
Molecular consequence: missense variant.
Genome position (GRCh38, 1-based): chr3:52,403,617, G>A on the plus strand (C>T on the coding strand, the complement: BAP1 is on the minus strand). VCF-style: chr3-52403617-G-A. GRCh37 (hg19) VCF-style: chr3-52437633-G-A.
Other names: c.1474C>T, p.Pro492Ser (NM_001410772.1); short protein forms P492S, P510S.
Identifiers: ClinVar variation 2832394 (VCV002832394.3), dbSNP rs746878681, ClinGen allele CA353100814.

ClinVar aggregate classification (germline): Uncertain significance (1 of 4 stars; one submission).

Conditions:
BAP1-related tumor predisposition syndrome (TPDS1). Also called: BAP1 tumor predisposition syndrome; Tumor susceptibility linked to germline BAP1 mutations; COMMON Syndrome; TUMOR PREDISPOSITION SYNDROME 1. Identifiers: Orphanet 289539, MedGen C3280492, MONDO:0013692, OMIM 614327.

Allele frequency attached by ClinVar (database versions not stated): gnomAD 0.00001.
gnomAD v4.1: 1 of 1,614,036 alleles (0.000062%); highest among the groups gnomAD compares: African/African-American, 0.0013%; no homozygotes.

Submission:

Labcorp Genetics (formerly Invitae), Labcorp
Classification: Uncertain significance for BAP1-related tumor predisposition syndrome. Last evaluated: 2024-07-28. Review status: criteria provided, single submitter. Criteria: Invitae Variant Classification Sherloc (09022015). Collection method: clinical testing. Allele origin: germline.
Comment: This sequence change replaces proline, which is neutral and non-polar, with serine, which is neutral and polar, at codon 510 of the BAP1 protein (p.Pro510Ser). This variant is not present in population databases (gnomAD no frequency). This variant has not been reported in the literature in individuals affected with BAP1-related conditions. Advanced modeling of protein sequence and biophysical properties (such as structural, functional, and spatial information, amino acid conservation, physicochemical variation, residue mobility, and thermodynamic stability) performed at Invitae indicates that this missense variant is not expected to disrupt BAP1 protein function with a negative predictive value of 80%. In summary, the available evidence is currently insufficient to determine the role of this variant in disease. Therefore, it has been classified as a Variant of Uncertain Significance.